The following is an entry in ClinVar:

NM_001134407.3(GRIN2A):c.842A>G (p.Tyr281Cys)

Gene: GRIN2A (glutamate ionotropic receptor NMDA type subunit 2A; minus strand). Cytogenetic location: 16p13.2.
Variant type: single nucleotide variant.
Coding change: c.842A>G on transcript NM_001134407.3 (MANE Select); coding-DNA position 842, A replaced by G.
Protein change: p.Tyr281Cys; replaces tyrosine 281 with cysteine.
Molecular consequence: missense variant.
Genome position (GRCh38, 1-based): chr16:9,938,124, T>C on the plus strand (A>G on the coding strand, the complement: GRIN2A is on the minus strand). VCF-style: chr16-9938124-T-C. GRCh37 (hg19) VCF-style: chr16-10031981-T-C.
Other names: c.842A>G, p.Tyr281Cys (NM_000833.5, NM_001134408.2); short protein forms Y281C.
Identifiers: ClinVar variation 4745851 (VCV004745851.1).

ClinVar aggregate classification (germline): Uncertain significance (1 of 4 stars; one submission).

Conditions:
Landau-Kleffner syndrome (FESD). Also called: EPILEPSY, FOCAL, WITH SPEECH DISORDER AND WITH OR WITHOUT MENTAL RETARDATION; APHASIA, ACQUIRED, WITH EPILEPSY. Identifiers: Orphanet 1945, Orphanet 725, Orphanet 98818, MedGen C0282512, MONDO:0009509, OMIM 245570.

Submission:

Labcorp Genetics (formerly Invitae), Labcorp
Classification: Uncertain significance for Landau-Kleffner syndrome. Last evaluated: 2025-10-10. Review status: criteria provided, single submitter. Criteria: Invitae Variant Classification Sherloc (09022015). Collection method: clinical testing. Allele origin: germline.
Comment: This sequence change replaces tyrosine, which is neutral and polar, with cysteine, which is neutral and slightly polar, at codon 281 of the GRIN2A protein (p.Tyr281Cys). This variant is not present in population databases (gnomAD no frequency). This variant has not been reported in the literature in individuals affected with GRIN2A-related conditions. Invitae Evidence Modeling of protein sequence and biophysical properties (such as structural, functional, and spatial information, amino acid conservation, physicochemical variation, residue mobility, and thermodynamic stability) has been performed for this missense variant. However, the output from this modeling did not meet the statistical confidence thresholds required to predict the impact of this variant on GRIN2A protein function. In summary, the available evidence is currently insufficient to determine the role of this variant in disease. Therefore, it has been classified as a Variant of Uncertain Significance.